The following is an entry in ClinVar:

NM_000465.4(BARD1):c.692C>G (p.Ser231Cys)

Gene: BARD1 (BRCA1 associated RING domain 1; minus strand). Cytogenetic location: 2q35.
Variant type: single nucleotide variant.
Coding change: c.692C>G on transcript NM_000465.4 (MANE Select); coding-DNA position 692, C replaced by G.
Protein change: p.Ser231Cys; replaces serine 231 with cysteine.
Molecular consequence: missense variant. On other transcripts: non-coding transcript variant (2), intron variant (3).
Genome position (GRCh38, 1-based): chr2:214,781,182, G>C on the plus strand (C>G on the coding strand, the complement: BARD1 is on the minus strand). VCF-style: chr2-214781182-G-C. GRCh37 (hg19) VCF-style: chr2-215645906-G-C.
Other names: c.635C>G, p.Ser212Cys (NM_001282543.2); c.158+28230C>G (NM_001282548.2); c.215+15879C>G (NM_001282545.2); c.364+11115C>G (NM_001282549.2); short protein forms S231C, S212C.
Identifiers: ClinVar variation 482820 (VCV000482820.5), dbSNP rs758140052, ClinGen allele CA350456384.

ClinVar aggregate classification (germline): Uncertain significance (1 of 4 stars; one submission).

Conditions:
Hereditary cancer-predisposing syndrome. Also called: Neoplastic Syndromes, Hereditary; Tumor predisposition; Hereditary Cancer Syndrome; Hereditary neoplastic syndrome. Identifiers: Orphanet 140162, MedGen C0027672, MeSH D009386, MONDO:0015356.

Submission:

Ambry Genetics
Classification: Uncertain significance for Hereditary cancer-predisposing syndrome. Last evaluated: 2017-03-13. Review status: criteria provided, single submitter. Criteria: Ambry Variant Classification Scheme 2023. Collection method: clinical testing. Allele origin: germline.
Comment: The p.S231C variant (also known as c.692C>G), located in coding exon 4 of the BARD1 gene, results from a C to G substitution at nucleotide position 692. The serine at codon 231 is replaced by cysteine, an amino acid with dissimilar properties. This amino acid position is poorly conserved in available vertebrate species. In addition, this alteration is predicted to be tolerated by in silico analysis. Since supporting evidence is limited at this time, the clinical significance of this alteration remains unclear.